The following is an entry in ClinVar:

NM_000193.4(SHH):c.*2886T>C

Gene: SHH (sonic hedgehog signaling molecule; minus strand). Cytogenetic location: 7q36.3.
Variant type: single nucleotide variant.
Coding change: c.*2886T>C on transcript NM_000193.4 (MANE Select); 2886 bases downstream of the stop codon, T replaced by C.
Molecular consequence: 3 prime UTR variant. On other transcripts: missense variant (1), non-coding transcript variant (2).
Genome position (GRCh38, 1-based): chr7:155,800,014, A>G on the plus strand (T>C on the coding strand, the complement: SHH is on the minus strand). VCF-style: chr7-155800014-A-G. GRCh37 (hg19) VCF-style: chr7-155592708-A-G.
Other names: c.533T>C, p.Ile178Thr (NM_001310462.2); short protein forms I178T.
Identifiers: ClinVar variation 4990299 (VCV004990299.1).
Genomic context (GRCh38, chr7:155,800,014, plus strand): 5'-GGTTCTGCCACATAACAGACACTGAAGAGAGTCTCTGTAATTTCTTTAATTATTCAAACA[A>G]TAGAGCACAAAGATAACAGTTTCAAGTACATTGTGATACACGTTTTGACAGGAATAGATA-3'

ClinVar aggregate classification (germline): Uncertain significance (1 of 4 stars; one submission).

Conditions:
SHH-related disorder. Also called: SHH-related disorders; SHH-related condition.

gnomAD v4.1: 3 of 470,476 alleles (0.00064%); highest among the groups gnomAD compares: East Asian, 0.014%; no homozygotes.

Submission:

PreventionGenetics, part of Exact Sciences
Classification: Uncertain significance for SHH-related condition. Last evaluated: 2025-03-20. Review status: criteria provided, single submitter. Criteria: ACMG Guidelines, 2015. Collection method: clinical testing. Allele origin: germline.
Comment: The SHH c.533T>C variant is predicted to result in the amino acid substitution p.Ile178Thr. This variant corresponds to a post-coding position in an alternate transcript for this gene (NM_000193: c.*2886T>C). To our knowledge, this variant has not been reported in the literature. This variant is reported in 0.032% of alleles in individuals of East Asian descent in gnomAD. Although we suspect that this variant may be benign, at this time, the clinical significance of this variant is uncertain due to the absence of conclusive functional and genetic evidence.